The following is an entry in ClinVar:

NM_003394.4(WNT10B):c.818C>T (p.Ala273Val)

Gene: WNT10B (Wnt family member 10B; minus strand). Cytogenetic location: 12q13.12.
Variant type: single nucleotide variant.
Coding change: c.818C>T on transcript NM_003394.4 (MANE Select); coding-DNA position 818, C replaced by T.
Protein change: p.Ala273Val; replaces alanine 273 with valine.
Molecular consequence: missense variant.
Genome position (GRCh38, 1-based): chr12:48,966,447, G>A on the plus strand (C>T on the coding strand, the complement: WNT10B is on the minus strand). VCF-style: chr12-48966447-G-A. GRCh37 (hg19) VCF-style: chr12-49360230-G-A.
Other names: c.818C>T (NM_003394.3); short protein forms A273V.
Identifiers: ClinVar variation 1902706 (VCV001902706.6), dbSNP rs749553356, ClinGen allele CA6544094.

ClinVar aggregate classification (germline): Uncertain significance. Review status: criteria provided, multiple submitters, no conflicts (2 of 4 stars). 2 submissions from 2 submitters: Uncertain significance (2). Last evaluated 2023-12-27.

Conditions:
Inborn genetic diseases. Identifiers: MedGen C0950123, MeSH D030342.

Allele frequency attached by ClinVar (database versions not stated): gnomAD exomes 0.00002; TOPMed 0.00002; gnomAD 0.00003; ExAC 0.00004.
gnomAD v4.1: 36 of 1,613,878 alleles (0.0022%); highest among the groups gnomAD compares: South Asian, 0.022%; no homozygotes.

Submissions (2):

Ambry Genetics
Classification: Uncertain significance for Inborn genetic diseases. Last evaluated: 2023-12-27. Review status: criteria provided, single submitter. Criteria: Ambry Variant Classification Scheme 2023. Collection method: clinical testing. Allele origin: germline.

Labcorp Genetics (formerly Invitae), Labcorp
Classification: Uncertain significance. Last evaluated: 2023-12-11. Review status: criteria provided, single submitter. Criteria: Invitae Variant Classification Sherloc (09022015). Collection method: clinical testing. Allele origin: germline.
Comment: This sequence change replaces alanine, which is neutral and non-polar, with valine, which is neutral and non-polar, at codon 273 of the WNT10B protein (p.Ala273Val). This variant is present in population databases (rs749553356, gnomAD 0.02%). This variant has not been reported in the literature in individuals affected with WNT10B-related conditions. ClinVar contains an entry for this variant (Variation ID: 1902706). Advanced modeling of protein sequence and biophysical properties (such as structural, functional, and spatial information, amino acid conservation, physicochemical variation, residue mobility, and thermodynamic stability) performed at Invitae indicates that this missense variant is not expected to disrupt WNT10B protein function with a negative predictive value of 80%. In summary, the available evidence is currently insufficient to determine the role of this variant in disease. Therefore, it has been classified as a Variant of Uncertain Significance.